The following is an entry in ClinVar:

NM_006939.4(SOS2):c.2384+18A>G

Gene: SOS2 (SOS Ras/Rho guanine nucleotide exchange factor 2; minus strand). Cytogenetic location: 14q21.3.
Variant type: single nucleotide variant.
Coding change: c.2384+18A>G on transcript NM_006939.4 (MANE Select); 18 bases into the intron after coding-DNA position 2384, A replaced by G.
Molecular consequence: intron variant.
Genome position (GRCh38, 1-based): chr14:50,149,990, T>C on the plus strand (A>G on the coding strand, the complement: SOS2 is on the minus strand). VCF-style: chr14-50149990-T-C. GRCh37 (hg19) VCF-style: chr14-50616708-T-C.
Other names: c.2285+18A>G (NM_001411020.1).
Identifiers: ClinVar variation 2880291 (VCV002880291.3), dbSNP rs1884610113, ClinGen allele CA2624771048.

ClinVar aggregate classification (germline): Uncertain significance (1 of 4 stars; one submission).

Conditions:
Noonan syndrome 9 (NS9). Identifiers: Orphanet 648, MedGen C4225282, MONDO:0014691, OMIM 616559.

Allele frequency attached by ClinVar (database versions not stated): gnomAD exomes below 0.00001.
gnomAD v4.1: 2 of 1,467,462 alleles (0.00014%); highest among the groups gnomAD compares: Non-Finnish European, 0.00019%; no homozygotes.

Submission:

Labcorp Genetics (formerly Invitae), Labcorp
Classification: Uncertain significance for Noonan syndrome 9. Last evaluated: 2023-02-18. Review status: criteria provided, single submitter. Criteria: Invitae Variant Classification Sherloc (09022015). Collection method: clinical testing. Allele origin: germline.
Comment: In summary, the available evidence is currently insufficient to determine the role of this variant in disease. Therefore, it has been classified as a Variant of Uncertain Significance. Algorithms developed to predict the effect of sequence changes on RNA splicing suggest that this variant may create or strengthen a splice site. This variant has not been reported in the literature in individuals affected with SOS2-related conditions. This variant is not present in population databases (gnomAD no frequency). This sequence change falls in intron 14 of the SOS2 gene. It does not directly change the encoded amino acid sequence of the SOS2 protein.